The following is an entry in ClinVar:

NM_004606.5(TAF1):c.2248C>T (p.Arg750Cys)

Gene: TAF1 (TATA-box binding protein associated factor 1; plus strand). Cytogenetic location: Xq13.1.
Variant type: single nucleotide variant.
Coding change: c.2248C>T on transcript NM_004606.5 (MANE Select); coding-DNA position 2248, C replaced by T.
Protein change: p.Arg750Cys; replaces arginine 750 with cysteine.
Molecular consequence: missense variant. On other transcripts: non-coding transcript variant (9).
Genome position (GRCh38, 1-based): chrX:71,387,282, C>T. VCF-style: chrX-71387282-C-T. GRCh37 (hg19) VCF-style: chrX-70607132-C-T.
Other names: c.2248C>T, p.Arg750Cys (NM_001286074.2, NM_001440852.1, NM_001440853.1); c.2185C>T, p.Arg729Cys (NM_001440854.1, NM_138923.4); short protein forms R729C, R750C.
Identifiers: ClinVar variation 4537558 (VCV004537558.1).
Genomic context (GRCh38, chrX:71,387,282, plus strand): 5'-CTACTCTGTATATAATTTTTGTGTTTTTACTTTTGTTAGGCATTTGAGAACAACCTTTTT[C>T]GTGCTCCAATTTATCTTCATAAGATGCCAGAAACTGATTTCTTGATCATTCGGACAAGAC-3'
Protein context (NP_004597.3, residues 740-760): LLQAFENNLF[Arg750Cys]APIYLHKMPE

ClinVar aggregate classification (germline): Uncertain significance (1 of 4 stars; one submission).

Submission:

GeneDx
Classification: Uncertain significance. Last evaluated: 2025-06-10. Review status: criteria provided, single submitter. Criteria: GeneDx Variant Classification Process June 2021. Collection method: clinical testing. Allele origin: germline. Affected: yes.
Comment: Not observed at significant frequency in large population cohorts (gnomAD); In silico analysis supports that this missense variant has a deleterious effect on protein structure/function; In silico analysis suggests this variant may impact gene splicing. In the absence of RNA/functional studies, the actual effect of this sequence change is unknown.; Has not been previously published as pathogenic or benign to our knowledge